The following is an entry in ClinVar:

ClinVar aggregate classification (germline): Benign. Review status: criteria provided, multiple submitters, no conflicts (2 of 4 stars). 4 submissions from 4 submitters: Benign (4). Last evaluated 2026-02-02.

Conditions:
Methylmalonic acidemia due to transcobalamin receptor defect (MATR). Also called: METHYLMALONIC ACIDEMIA, TCblR TYPE; METHYLMALONIC ACIDURIA, TRANSIENT, DUE TO TRANSCOBALAMIN RECEPTOR DEFECT. Identifiers: Orphanet 280183, MedGen C4749905, MONDO:0013341, OMIM 613646.

Allele frequency attached by ClinVar (database versions not stated): ExAC 0.14354; ESP Exome Variant Server 0.07172; TOPMed 0.12669; 1000 Genomes Project 30x 0.13460; gnomAD exomes 0.04348; 1000 Genomes Project 0.13259.
gnomAD v4.1: 74,244 of 1,499,112 alleles (5%); highest among the groups gnomAD compares: African/African-American, 31%; 4,374 homozygotes.

Submissions (4):

Labcorp Genetics (formerly Invitae), Labcorp
Classification: Benign for Methylmalonic acidemia due to transcobalamin receptor defect. Last evaluated: 2026-02-02. Review status: criteria provided, single submitter. Criteria: Invitae Variant Classification Sherloc (09022015). Collection method: clinical testing. Allele origin: germline.

Mayo Clinic Laboratories, Mayo Clinic
Classification: Benign. Last evaluated: 2022-07-22. Review status: criteria provided, single submitter. Criteria: ACMG Guidelines, 2015. Collection method: clinical testing. Allele origin: germline. Observed: 11 variant alleles.

GeneDx
Classification: Benign. Last evaluated: 2013-11-26. Review status: criteria provided, single submitter. Criteria: GeneDx Variant Classification (06012015). Collection method: clinical testing. Allele origin: germline. Affected: yes.
Comment: This variant is considered likely benign or benign based on one or more of the following criteria: it is a conservative change, it occurs at a poorly conserved position in the protein, it is predicted to be benign by multiple in silico algorithms, and/or has population frequency not consistent with disease.

Breakthrough Genomics
Classification: Benign. Review status: criteria provided, single submitter. Criteria: ACMG Guidelines, 2015. Collection method: not provided. Allele origin: germline. Inheritance: Autosomal recessive inheritance. Affected: yes.

NM_016579.4(CD320):c.142+10G>C

Gene: CD320 (CD320 molecule; minus strand). Cytogenetic location: 19p13.2.
Variant type: single nucleotide variant.
Coding change: c.142+10G>C on transcript NM_016579.4 (MANE Select); 10 bases into the intron after coding-DNA position 142, G replaced by C.
Molecular consequence: intron variant.
Genome position (GRCh38, 1-based): chr19:8,308,139, C>G on the plus strand (G>C on the coding strand, the complement: CD320 is on the minus strand). VCF-style: chr19-8308139-C-G. GRCh37 (hg19) VCF-style: chr19-8373023-C-G.
Other names: p.?; c.142+10G>C (NM_001165895.2).
Identifiers: ClinVar variation 136687 (VCV000136687.12), dbSNP rs2232776, ClinGen allele CA289994.
Genomic context (GRCh38, chr19:8,308,139, plus strand): 5'-GTTGTCGGTGCGCGGCGGCGGGGCGAAGCCTCGCGAGGGGTGGGAGCCCGCGCTGCGGGG[C>G]GTCACTCACCTGCGGCCTGGGCAGAGGTCGGGGTGGAAAGCGGGCTCGCGGCGGCCTCCA-3'